The following is an entry in ClinVar:

ClinVar aggregate classification (germline): Uncertain significance (1 of 4 stars; one submission).

Conditions:
RASopathy. Also called: rasopathies; Noonan spectrum disorder. Identifiers: Orphanet 536391, MedGen C5555857, MONDO:0021060.

Submission:

Labcorp Genetics (formerly Invitae), Labcorp
Classification: Uncertain significance for RASopathy. Last evaluated: 2022-07-25. Review status: criteria provided, single submitter. Criteria: Invitae Variant Classification Sherloc (09022015). Collection method: clinical testing. Allele origin: germline.
Comment: This sequence change replaces serine, which is neutral and polar, with alanine, which is neutral and non-polar, at codon 116 of the BRAF protein (p.Ser116Ala). In summary, the available evidence is currently insufficient to determine the role of this variant in disease. Therefore, it has been classified as a Variant of Uncertain Significance. Algorithms developed to predict the effect of sequence changes on RNA splicing suggest that this variant may create or strengthen a splice site. Advanced modeling of protein sequence and biophysical properties (such as structural, functional, and spatial information, amino acid conservation, physicochemical variation, residue mobility, and thermodynamic stability) performed at Invitae indicates that this missense variant is not expected to disrupt BRAF protein function. This variant has not been reported in the literature in individuals affected with BRAF-related conditions. This variant is not present in population databases (gnomAD no frequency).

NM_004333.6(BRAF):c.346T>G (p.Ser116Ala)

Gene: BRAF (B-Raf proto-oncogene, serine/threonine kinase; minus strand). Cytogenetic location: 7q34.
Variant type: single nucleotide variant.
Coding change: c.346T>G on transcript NM_004333.6 (MANE Select); coding-DNA position 346, T replaced by G.
Protein change: p.Ser116Ala; replaces serine 116 with alanine.
Molecular consequence: missense variant. On other transcripts: intron variant (1).
Genome position (GRCh38, 1-based): chr7:140,834,767, A>C on the plus strand (T>G on the coding strand, the complement: BRAF is on the minus strand). VCF-style: chr7-140834767-A-C. GRCh37 (hg19) VCF-style: chr7-140534567-A-C.
Other names: c.346T>G, p.Ser116Ala (NM_001354609.2, NM_001374244.1, NM_001374258.1 and 5 more transcripts); c.244T>G, p.Ser82Ala (NM_001378470.1); c.190T>G, p.Ser64Ala (NM_001378472.1, NM_001378473.1); c.240+15344T>G (NM_001378475.1); short protein forms S64A, S82A, S116A.
Identifiers: ClinVar variation 2202469 (VCV002202469.4), dbSNP rs2536497047, ClinGen allele CA369593735.
Genomic context (GRCh38, chr7:140,834,767, plus strand): 5'-AAAGAGATGAAGGTAGCACTGAAAGGCTAGAAGAGGAAGAAGATGTAACGGTATCCATTG[A>C]TGCAGAGCTAGAAACAGAAAAATCAGTTCCGTTCCCCAGAGATTCCAATAACTGTTGTTC-3'
Protein context (NP_004324.2, residues 106-126): GTDFSVSSSA[Ser116Ala]MDTVTSSSSS